The following is an entry in ClinVar:

NM_004415.4(DSP):c.3169T>C (p.Phe1057Leu)

Gene: DSP (desmoplakin; plus strand). Cytogenetic location: 6p24.3.
Variant type: single nucleotide variant.
Coding change: c.3169T>C on transcript NM_004415.4 (MANE Select); coding-DNA position 3169, T replaced by C.
Protein change: p.Phe1057Leu; replaces phenylalanine 1057 with leucine.
Molecular consequence: missense variant.
Genome position (GRCh38, 1-based): chr6:7,579,359, T>C. VCF-style: chr6-7579359-T-C. GRCh37 (hg19) VCF-style: chr6-7579592-T-C.
Other names: c.3169T>C, p.Phe1057Leu (NM_001008844.3, NM_001319034.2); short protein forms F1057L.
Identifiers: ClinVar variation 3842693 (VCV003842693.1).

ClinVar aggregate classification (germline): Uncertain significance (1 of 4 stars; one submission).

Conditions:
Cardiovascular phenotype. Identifiers: MedGen CN230736.

Submission:

Ambry Genetics
Classification: Uncertain significance for Cardiovascular phenotype. Last evaluated: 2025-01-19. Review status: criteria provided, single submitter. Criteria: Ambry Variant Classification Scheme 2023. Collection method: clinical testing. Allele origin: germline.
Comment: The p.F1057L variant (also known as c.3169T>C), located in coding exon 23 of the DSP gene, results from a T to C substitution at nucleotide position 3169. The phenylalanine at codon 1057 is replaced by leucine, an amino acid with highly similar properties. This amino acid position is conserved. In addition, the in silico prediction for this alteration is inconclusive. Based on the available evidence, the clinical significance of this variant remains unclear.